The following is an entry in ClinVar:

NM_020937.4(FANCM):c.3769GAT[1] (p.Asp1258del)

Gene: FANCM (FA complementation group M; plus strand). Cytogenetic location: 14q21.2.
Variant type: Microsatellite.
Coding change: c.3769GAT[1] on transcript NM_020937.4 (MANE Select); one copy of the 3-base unit GAT starting at c.3769; the reference has two copies in a row; one copy, 3 bases deleted.
Protein change: p.Asp1258del; deletes aspartic acid 1258.
Molecular consequence: inframe deletion.
Genome position (GRCh38, 1-based): chr14:45,176,526-45,176,528, GAT deleted; deleting any 3 consecutive bases within chr14:45,176,523-45,176,528 gives the same sequence; the position shown is the placement nearest the transcript's 3' end. VCF-style (leftmost placement, unchanged base first): chr14-45176522-AGAT-A. GRCh37 (hg19) VCF-style: chr14-45645725-AGAT-A.
Other names: c.3691GAT[1], p.Asp1232del (NM_001308133.2); short protein forms D1232del, D1258del.
Identifiers: ClinVar variation 1061629 (VCV001061629.9), dbSNP rs2139251128, ClinGen allele CA2575580145.

ClinVar aggregate classification (germline): Uncertain significance (1 of 4 stars; one submission).

Conditions:
Fanconi anemia (FA). Also called: Fanconi's anemia. Identifiers: Orphanet 84, MedGen C0015625, MeSH D005199, MONDO:0019391.

Submission:

Labcorp Genetics (formerly Invitae), Labcorp
Classification: Uncertain significance for Fanconi anemia. Last evaluated: 2020-09-13. Review status: criteria provided, single submitter. Criteria: Invitae Variant Classification Sherloc (09022015). Collection method: clinical testing. Allele origin: germline.
Comment: In summary, the available evidence is currently insufficient to determine the role of this variant in disease. Therefore, it has been classified as a Variant of Uncertain Significance. Experimental studies and prediction algorithms are not available or were not evaluated, and the functional significance of this variant is currently unknown. This variant has not been reported in the literature in individuals with FANCM-related conditions. This variant is not present in population databases (ExAC no frequency). This variant, c.3772_3774del, results in the deletion of 1 amino acid(s) of the FANCM protein (p.Asp1258del), but otherwise preserves the integrity of the reading frame.